The following is an entry in ClinVar:

ClinVar aggregate classification (germline): Benign/Likely benign. Review status: criteria provided, multiple submitters, no conflicts (2 of 4 stars). 3 submissions from 3 submitters: Benign (1); Likely benign (2). Last evaluated 2025-11-19.

Conditions:
Hereditary diffuse gastric adenocarcinoma (HDGC). Also called: DIFFUSE GASTRIC AND LOBULAR BREAST CANCER SYNDROME. Identifiers: Orphanet 26106, MedGen C1708349, MONDO:0007648, OMIM 137215.
Hereditary cancer-predisposing syndrome. Also called: Neoplastic Syndromes, Hereditary; Hereditary Cancer Syndrome; Tumor predisposition; Hereditary neoplastic syndrome. Identifiers: Orphanet 140162, MedGen C0027672, MeSH D009386, MONDO:0015356.

Allele frequency attached by ClinVar (database versions not stated): gnomAD exomes below 0.00001 and 0.00001; gnomAD 0.00001; ExAC 0.00002; 1000 Genomes Project 0.00020; 1000 Genomes Project 30x 0.00031.
gnomAD v4.1: 4 of 1,613,912 alleles (0.00025%); highest among the groups gnomAD compares: South Asian, 0.0022%; no homozygotes.

Submissions (3):

Labcorp Genetics (formerly Invitae), Labcorp
Classification: Likely benign for Hereditary diffuse gastric adenocarcinoma. Last evaluated: 2025-11-19. Review status: criteria provided, single submitter. Criteria: Invitae Variant Classification Sherloc (09022015). Collection method: clinical testing. Allele origin: germline.

Myriad Genetics, Inc.
Classification: Benign for Hereditary diffuse gastric adenocarcinoma. Last evaluated: 2024-09-23. Review status: criteria provided, single submitter. Criteria: Myriad Autosomal Dominant, Autosomal Recessive and X-Linked Classification Criteria (2023). Collection method: clinical testing. Allele origin: unknown.
Comment: This variant is considered benign. This variant is a silent/synonymous amino acid change and it is not expected to impact splicing.

Ambry Genetics
Classification: Likely benign for Hereditary cancer-predisposing syndrome. Last evaluated: 2022-02-08. Review status: criteria provided, single submitter. Criteria: Ambry Variant Classification Scheme 2023. Collection method: clinical testing. Allele origin: germline.

NM_004360.5(CDH1):c.2226G>A (p.Leu742=)

Gene: CDH1 (cadherin 1; plus strand). Cytogenetic location: 16q22.1.
Variant type: single nucleotide variant.
Coding change: c.2226G>A on transcript NM_004360.5 (MANE Select); coding-DNA position 2226, G replaced by A.
Protein change: p.Leu742=; no amino-acid change (leucine 742 retained).
Molecular consequence: synonymous variant.
Genome position (GRCh38, 1-based): chr16:68,828,235, G>A. VCF-style: chr16-68828235-G-A. GRCh37 (hg19) VCF-style: chr16-68862138-G-A.
Other names: c.2043G>A, p.Leu681= (NM_001317184.2); c.678G>A, p.Leu226= (NM_001317185.2); c.261G>A, p.Leu87= (NM_001317186.2).
Identifiers: ClinVar variation 795579 (VCV000795579.11), dbSNP rs563767422, ClinGen allele CA8130232.